The following is an entry in ClinVar:

NM_004341.5(CAD):c.5377G>T (p.Ala1793Ser)

Gene: CAD (carbamoyl-phosphate synthetase 2, aspartate transcarbamylase, and dihydroorotase; plus strand). Cytogenetic location: 2p23.3.
Variant type: single nucleotide variant.
Coding change: c.5377G>T on transcript NM_004341.5 (MANE Select); coding-DNA position 5377, G replaced by T.
Protein change: p.Ala1793Ser; replaces alanine 1793 with serine.
Molecular consequence: missense variant.
Genome position (GRCh38, 1-based): chr2:27,239,454, G>T. VCF-style: chr2-27239454-G-T. GRCh37 (hg19) VCF-style: chr2-27462322-G-T.
Other names: c.5188G>T, p.Ala1730Ser (NM_001306079.2); short protein forms A1730S, A1793S.
Identifiers: ClinVar variation 2121823 (VCV002121823.4), dbSNP rs2465354447, ClinGen allele CA346222717.

ClinVar aggregate classification (germline): Uncertain significance (1 of 4 stars; one submission).

Submission:

Labcorp Genetics (formerly Invitae), Labcorp
Classification: Uncertain significance. Last evaluated: 2021-11-22. Review status: criteria provided, single submitter. Criteria: Invitae Variant Classification Sherloc (09022015). Collection method: clinical testing. Allele origin: germline.
Comment: Algorithms developed to predict the effect of missense changes on protein structure and function are either unavailable or do not agree on the potential impact of this missense change (SIFT: "Tolerated"; PolyPhen-2: "Probably Damaging"; Align-GVGD: "Class C15"). This variant has not been reported in the literature in individuals affected with CAD-related conditions. This variant is not present in population databases (gnomAD no frequency). This sequence change replaces alanine, which is neutral and non-polar, with serine, which is neutral and polar, at codon 1793 of the CAD protein (p.Ala1793Ser). In summary, the available evidence is currently insufficient to determine the role of this variant in disease. Therefore, it has been classified as a Variant of Uncertain Significance.